The following is an entry in ClinVar:

NM_007294.4(BRCA1):c.247G>C (p.Val83Leu)

Gene: BRCA1 (BRCA1 DNA repair associated; minus strand). Cytogenetic location: 17q21.31.
Variant type: single nucleotide variant.
Coding change: c.247G>C on transcript NM_007294.4 (MANE Select); coding-DNA position 247, G replaced by C.
Protein change: p.Val83Leu; replaces valine 83 with leucine.
Molecular consequence: missense variant. On other transcripts: non-coding transcript variant (1).
Genome position (GRCh38, 1-based): chr17:43,104,922, C>G on the plus strand (G>C on the coding strand, the complement: BRCA1 is on the minus strand). VCF-style: chr17-43104922-C-G. GRCh37 (hg19) VCF-style: chr17-41256939-C-G.
Other names: c.37G>C, p.Val13Leu (NM_001407571.1, NM_001407853.1, NM_001407879.1 and 58 more transcripts); c.247G>C, p.Val83Leu (NM_001407581.1, NM_001407582.1, NM_001407583.1 and 168 more transcripts); c.169G>C, p.Val57Leu (NM_001407653.1, NM_001407654.1, NM_001407655.1 and 21 more transcripts); c.106G>C, p.Val36Leu (NM_001407692.1, NM_001407694.1, NM_001407695.1 and 99 more transcripts); c.-135G>C (NM_001407959.1, NM_001407960.1, NM_001407962.1 and 4 more transcripts); c.115G>C, p.Val39Leu (NM_001408451.1); short protein forms V36L, V83L, V13L, V39L, V57L.
Identifiers: ClinVar variation 867375 (VCV000867375.4), dbSNP rs1060502343, ClinGen allele CA10601662.

ClinVar aggregate classification (germline): Uncertain significance (1 of 4 stars; one submission).

Conditions:
Hereditary breast ovarian cancer syndrome. Also called: Hereditary breast and/or ovarian cancer syndrome; BRCA1- and BRCA2-Associated Hereditary Breast and Ovarian Cancer; Hereditary breast and ovarian cancer syndrome; Hereditary breast and ovarian cancer; Hereditary breast and ovarian cancer syndrome (HBOC); Breast and ovarian cancer. Identifiers: Orphanet 145, MedGen C0677776, MeSH D061325, MONDO:0003582. Disease mechanism: loss of function.

Submissions (2):

Labcorp Genetics (formerly Invitae), Labcorp
Classification: Uncertain significance for Hereditary breast ovarian cancer syndrome. Last evaluated: 2025-06-17. Review status: criteria provided, single submitter. Criteria: Invitae Variant Classification Sherloc (09022015). Collection method: clinical testing. Allele origin: germline.
Comment: This sequence change replaces valine, which is neutral and non-polar, with leucine, which is neutral and non-polar, at codon 83 of the BRCA1 protein (p.Val83Leu). This variant is not present in population databases (gnomAD no frequency). This variant has not been reported in the literature in individuals affected with BRCA1-related conditions. ClinVar contains an entry for this variant (Variation ID: 867375). Invitae Evidence Modeling incorporating data from in vitro experimental studies (PMID: 30209399) indicates that this missense variant is not expected to disrupt BRCA1 function with a negative predictive value of 95%. In summary, the available evidence is currently insufficient to determine the role of this variant in disease. Therefore, it has been classified as a Variant of Uncertain Significance.

Brotman Baty Institute, University of Washington
No classification provided (evidence only). Condition: Breast-ovarian cancer, familial 1. Review status: no classification provided. Collection method: in vitro. Allele origin: not applicable. Functional consequence: functionally_normal. Not counted in ClinVar's aggregate classification.
ClinVar note: "not provided" was previously submitted as the classification for the variant. However, the classification appeared to be based only on an observation of functional data so it was converted to no classification on 2025-07-30.

Literature cited by the submitters: PubMed 30209399 (cited by Labcorp Genetics (formerly Invitae), Labcorp).